The following is an entry in ClinVar:

ClinVar aggregate classification (germline): Conflicting classifications of pathogenicity. Review status: criteria provided, conflicting classifications (1 of 4 stars). 4 submissions from 4 submitters: Uncertain significance (1); Benign (1); Likely benign (2). Last evaluated 2025-03-13.

Conditions:
GPI-related disorder. Also called: GPI-related condition.
Hemolytic anemia due to glucophosphate isomerase deficiency (CNSHA4). Also called: ANEMIA, CONGENITAL, NONSPHEROCYTIC HEMOLYTIC, 4. Identifiers: Orphanet 712, MedGen C0272064, MONDO:0013275, OMIM 613470.

Allele frequency attached by ClinVar (database versions not stated): ExAC 0.00008; gnomAD exomes 0.00013; ESP Exome Variant Server 0.00015; gnomAD 0.00015 and 0.00018; 1000 Genomes Project 30x 0.00016; 1000 Genomes Project 0.00020; TOPMed 0.00024.
gnomAD v4.1: 470 of 1,611,088 alleles (0.029%); highest among the groups gnomAD compares: Non-Finnish European, 0.037%; no homozygotes.

Submissions (4):

PreventionGenetics, part of Exact Sciences
Classification: Likely benign for GPI-related condition. Last evaluated: 2025-03-13. Review status: criteria provided, single submitter. Criteria: ACMG Guidelines, 2015. Collection method: clinical testing. Allele origin: germline.
Comment: This variant is classified as likely benign based on ACMG/AMP sequence variant interpretation guidelines (Richards et al. 2015 PMID: 25741868, with internal and published modifications).

Blueprint Genetics
Classification: Likely benign. Last evaluated: 2024-11-11. Review status: criteria provided, single submitter. Criteria: ACMG Guidelines, 2015. Collection method: clinical testing. Allele origin: germline.

Labcorp Genetics (formerly Invitae), Labcorp
Classification: Benign. Last evaluated: 2022-08-16. Review status: criteria provided, single submitter. Criteria: Invitae Variant Classification Sherloc (09022015). Collection method: clinical testing. Allele origin: germline.

ARUP Laboratories, Molecular Genetics and Genomics, ARUP Laboratories
Classification: Uncertain significance for Hemolytic anemia due to glucophosphate isomerase deficiency. Last evaluated: 2020-04-15. Review status: criteria provided, single submitter. Criteria: ARUP Molecular Germline Variant Investigation Process. Collection method: clinical testing. Allele origin: germline.

NM_000175.5(GPI):c.1270-9G>A

Gene: GPI (glucose-6-phosphate isomerase; plus strand). Cytogenetic location: 19q13.11.
Variant type: single nucleotide variant.
Coding change: c.1270-9G>A on transcript NM_000175.5 (MANE Select); 9 bases into the intron before coding-DNA position 1270, G replaced by A.
Molecular consequence: intron variant.
Genome position (GRCh38, 1-based): chr19:34,399,198, G>A. VCF-style: chr19-34399198-G-A. GRCh37 (hg19) VCF-style: chr19-34890103-G-A.
Other names: c.1387-9G>A (NM_001289789.1); c.1303-9G>A (NM_001184722.1); c.1270-9G>A (NM_001329909.1, NM_001329910.1, NM_000175.4); c.1270-36G>A (NM_001329911.2); c.1186-9G>A (NM_001289790.3).
Identifiers: ClinVar variation 994261 (VCV000994261.14), dbSNP rs191051353, ClinGen allele CA9367409.